The following is an entry in ClinVar:

ClinVar aggregate classification (germline): Uncertain significance (1 of 4 stars; one submission).

Conditions:
Autosomal recessive limb-girdle muscular dystrophy type 2J (LGMDR10). Also called: Limb-girdle muscular dystrophy, type 2J; MUSCULAR DYSTROPHY, LIMB-GIRDLE, AUTOSOMAL RECESSIVE 10. Identifiers: Orphanet 140922, MedGen C1837342, MONDO:0012127, OMIM 608807.
Dilated cardiomyopathy 1G (CMD1G). Identifiers: Orphanet 154, MedGen C1858763, MONDO:0011400, OMIM 604145.

gnomAD v4.1: 18 of 1,613,866 alleles (0.0011%); highest among the groups gnomAD compares: Non-Finnish European, 0.00025%; no homozygotes.

Submission:

Labcorp Genetics (formerly Invitae), Labcorp
Classification: Uncertain significance for Dilated cardiomyopathy 1G; Autosomal recessive limb-girdle muscular dystrophy type 2J. Last evaluated: 2024-08-08. Review status: criteria provided, single submitter. Criteria: Invitae Variant Classification Sherloc (09022015). Collection method: clinical testing. Allele origin: germline.
Comment: This sequence change replaces alanine, which is neutral and non-polar, with aspartic acid, which is acidic and polar, at codon 35014 of the TTN protein (p.Ala35014Asp). This variant is present in population databases (rs758356886, gnomAD 0.009%). This variant has not been reported in the literature in individuals affected with TTN-related conditions. Experimental studies and prediction algorithms are not available or were not evaluated, and the functional significance of this variant is currently unknown. This variant is located in the M band of TTN (PMID: 25589632). Non-truncating variants in this region may be relevant for neuromuscular disorders, but have not been definitively shown to cause cardiomyopathy (PMID: 23975875). In summary, the available evidence is currently insufficient to determine the role of this variant in disease. Therefore, it has been classified as a Variant of Uncertain Significance.

Literature cited by the submitters: PubMed 25589632; PubMed 23975875.

NM_001267550.2(TTN):c.105041C>A (p.Ala35014Asp)

Genes: TTN-AS1 (TTN antisense RNA 1; plus strand), TTN (titin; minus strand). Cytogenetic location: 2q31.2.
Variant type: single nucleotide variant.
Coding change: c.105041C>A on transcript NM_001267550.2 (MANE Select); coding-DNA position 105041, C replaced by A.
Protein change: p.Ala35014Asp; replaces alanine 35014 with aspartic acid.
Molecular consequence: missense variant.
Genome position (GRCh38, 1-based): chr2:178,531,574, G>T on the plus strand (C>A on the coding strand, the complement: TTN is on the minus strand). VCF-style: chr2-178531574-G-T. GRCh37 (hg19) VCF-style: chr2-179396301-G-T.
Other names: c.100118C>A, p.Ala33373Asp (NM_001256850.1); c.77846C>A, p.Ala25949Asp (NM_003319.4); c.97337C>A, p.Ala32446Asp (NM_133378.4); c.78221C>A, p.Ala26074Asp (NM_133432.3); c.78422C>A, p.Ala26141Asp (NM_133437.4); short protein forms A25949D, A26074D, A26141D, A32446D, A33373D, A35014D.
Identifiers: ClinVar variation 3754828 (VCV003754828.2).
Genomic context (GRCh38, chr2:178,531,574, plus strand): 5'-CCTCCTGTCACGTCCAACGTTGCATAGTCAGAAGCTTCGCCCTTGTAGTTGGTGCACACA[G>T]CACGGTAGGTTCCACTGTCATCAGTATGACAGTCCAGAATTTCCAGGGTGAGGACTCCAC-3'
Protein context (NP_001254479.2, residues 35004-35024): CHTDDSGTYR[Ala35014Asp]VCTNYKGEAS